The following is an entry in ClinVar:

ClinVar aggregate classification (germline): Likely benign. Review status: criteria provided, single submitter (1 of 4 stars). 2 submissions from 2 submitters: Likely benign (1). 1 of the submissions does not count toward it. Last evaluated 2025-07-03.

Conditions:
SPEG-related disorder. Also called: SPEG-related condition.

gnomAD v4.1: 23 of 1,609,338 alleles (0.0014%); highest among the groups gnomAD compares: African/African-American, 0.028%; no homozygotes.

Submissions (2):

Labcorp Genetics (formerly Invitae), Labcorp
Classification: Likely benign. Last evaluated: 2025-07-03. Review status: criteria provided, single submitter. Criteria: Invitae Variant Classification Sherloc (09022015). Collection method: clinical testing. Allele origin: germline.

PreventionGenetics, part of Exact Sciences
Classification: Likely benign for SPEG-related condition. Last evaluated: 2024-06-19. Review status: no assertion criteria provided. Collection method: clinical testing. Allele origin: germline. Not counted in ClinVar's aggregate classification.
Comment: This variant is classified as likely benign based on ACMG/AMP sequence variant interpretation guidelines (Richards et al. 2015 PMID: 25741868, with internal and published modifications).

NM_005876.5(SPEG):c.5685G>A (p.Glu1895=)

Genes: ASIC4-AS1 (ASIC4 antisense RNA 1; minus strand), SPEG (striated muscle enriched protein kinase; plus strand). Cytogenetic location: 2q35.
Variant type: single nucleotide variant.
Coding change: c.5685G>A on transcript NM_005876.5 (MANE Select); coding-DNA position 5685, G replaced by A.
Protein change: p.Glu1895=; no amino-acid change (glutamic acid 1895 retained).
Molecular consequence: synonymous variant.
Genome position (GRCh38, 1-based): chr2:219,483,148, G>A. VCF-style: chr2-219483148-G-A. GRCh37 (hg19) VCF-style: chr2-220347870-G-A.
Identifiers: ClinVar variation 3351975 (VCV003351975.3).